The following is an entry in ClinVar:

ClinVar aggregate classification (germline): Uncertain significance (1 of 4 stars; one submission).

Conditions:
Cardiovascular phenotype. Identifiers: MedGen CN230736.

Submission:

Ambry Genetics
Classification: Uncertain significance for Cardiovascular phenotype. Last evaluated: 2022-08-25. Review status: criteria provided, single submitter. Criteria: Ambry Variant Classification Scheme 2023. Collection method: clinical testing. Allele origin: germline.
Comment: The c.658+3A>G intronic variant results from an A to G substitution 3 nucleotides after coding exon 7 in the CACNA2D1 gene. This nucleotide position is well conserved in available vertebrate species. In silico splice site analysis predicts that this alteration will not have any significant effect on splicing. The evidence for this gene-disease relationship is limited; therefore, the clinical significance of this alteration is unclear.

NM_000722.4(CACNA2D1):c.658+3A>G

Gene: CACNA2D1 (calcium voltage-gated channel auxiliary subunit alpha2delta 1; minus strand). Cytogenetic location: 7q21.11.
Variant type: single nucleotide variant.
Coding change: c.658+3A>G on transcript NM_000722.4 (MANE Select); 3 bases into the intron after coding-DNA position 658, A replaced by G.
Molecular consequence: intron variant.
Genome position (GRCh38, 1-based): chr7:82,084,766, T>C on the plus strand (A>G on the coding strand, the complement: CACNA2D1 is on the minus strand). VCF-style: chr7-82084766-T-C. GRCh37 (hg19) VCF-style: chr7-81714082-T-C.
Other names: c.658+3A>G (NM_001366867.1, NM_001302890.2).
Identifiers: ClinVar variation 1754311 (VCV001754311.2), dbSNP rs930122079, ClinGen allele CA161608258.